The following is an entry in ClinVar:

ClinVar aggregate classification (germline): Uncertain significance (1 of 4 stars; one submission).

Conditions:
Cardiovascular phenotype. Identifiers: MedGen CN230736.

Allele frequency attached by ClinVar (database versions not stated): TOPMed 0.00001.
gnomAD v4.1: 1 of 1,549,154 alleles (0.000065%); no homozygotes.

Submission:

Ambry Genetics
Classification: Uncertain significance for Cardiovascular phenotype. Last evaluated: 2024-03-07. Review status: criteria provided, single submitter. Criteria: Ambry Variant Classification Scheme 2023. Collection method: clinical testing. Allele origin: germline.
Comment: The p.L3481F variant (also known as c.10441C>T), located in coding exon 2 of the ZNF469 gene, results from a C to T substitution at nucleotide position 10441. The leucine at codon 3481 is replaced by phenylalanine, an amino acid with highly similar properties. This amino acid position is conserved. In addition, this alteration is predicted to be tolerated by in silico analysis. Based on the available evidence, the clinical significance of this alteration remains unclear.

NM_001367624.2(ZNF469):c.10525C>T (p.Leu3509Phe)

Gene: ZNF469 (zinc finger protein 469; plus strand). Cytogenetic location: 16q24.2.
Variant type: single nucleotide variant.
Coding change: c.10525C>T on transcript NM_001367624.2 (MANE Select); coding-DNA position 10525, C replaced by T.
Protein change: p.Leu3509Phe; replaces leucine 3509 with phenylalanine.
Molecular consequence: missense variant.
Genome position (GRCh38, 1-based): chr16:88,437,995, C>T. VCF-style: chr16-88437995-C-T. GRCh37 (hg19) VCF-style: chr16-88504403-C-T.
Other names: NM_001127464.1:c.10441C>T; short protein forms L3509F.
Identifiers: ClinVar variation 3232728 (VCV003232728.1), dbSNP rs1187759364, ClinGen allele CA397127151.
Genomic context (GRCh38, chr16:88,437,995, plus strand): 5'-GACAGGCCTCCTCCCCGGGGAAGCAGCCCCATCCTGAGTGAGGGCTCTCTCCCGGCCCTG[C>T]TCCACCTGTGTTCGGAGGTGGCTCCCAGCACCACCAAGGGATGGCCCGAGACCCTAGAGA-3'
Protein context (NP_001354553.1, residues 3499-3519): ILSEGSLPAL[Leu3509Phe]HLCSEVAPST